The following is an entry in ClinVar:

NM_001999.4(FBN2):c.8659G>T (p.Glu2887Ter)

Gene: FBN2 (fibrillin 2; minus strand). Cytogenetic location: 5q23.3.
Variant type: single nucleotide variant.
Coding change: c.8659G>T on transcript NM_001999.4 (MANE Select); coding-DNA position 8659, G replaced by T.
Protein change: p.Glu2887Ter; replaces glutamic acid 2887 with a stop codon.
Molecular consequence: nonsense.
Genome position (GRCh38, 1-based): chr5:128,259,535, C>A on the plus strand (G>T on the coding strand, the complement: FBN2 is on the minus strand). VCF-style: chr5-128259535-C-A. GRCh37 (hg19) VCF-style: chr5-127595227-C-A.
Other names: short protein forms E2887*.
Identifiers: ClinVar variation 4725033 (VCV004725033.1).

ClinVar aggregate classification (germline): Uncertain significance (1 of 4 stars; one submission).

Conditions:
Congenital contractural arachnodactyly (CCA). Also called: Arthrogryposis, distal, type 9; BEALS SYNDROME; Beals-Hecht syndrome. Identifiers: Orphanet 115, MedGen C0220668, MONDO:0007363, OMIM 121050.

Submission:

Labcorp Genetics (formerly Invitae), Labcorp
Classification: Uncertain significance for Congenital contractural arachnodactyly. Last evaluated: 2025-08-08. Review status: criteria provided, single submitter. Criteria: Invitae Variant Classification Sherloc (09022015). Collection method: clinical testing. Allele origin: germline.
Comment: This sequence change creates a premature translational stop signal (p.Glu2887*) in the FBN2 gene. While this is not anticipated to result in nonsense mediated decay, it is expected to disrupt the last 26 amino acid(s) of the FBN2 protein. This variant is not present in population databases (gnomAD no frequency). This variant has not been reported in the literature in individuals affected with FBN2-related conditions. Algorithms developed to predict the effect of sequence changes on RNA splicing suggest that this variant may create or strengthen a splice site. In summary, the available evidence is currently insufficient to determine the role of this variant in disease. Therefore, it has been classified as a Variant of Uncertain Significance.